The following is an entry in ClinVar:

ClinVar aggregate classification (germline): Uncertain significance. Review status: criteria provided, multiple submitters, no conflicts (2 of 4 stars). 2 submissions from 2 submitters: Uncertain significance (2). Last evaluated 2025-11-20.

Conditions:
Hereditary cancer-predisposing syndrome. Also called: Neoplastic Syndromes, Hereditary; Hereditary Cancer Syndrome; Hereditary neoplastic syndrome; Tumor predisposition. Identifiers: Orphanet 140162, MedGen C0027672, MeSH D009386, MONDO:0015356.
Familial cancer of breast. Also called: BREAST CANCER, FAMILIAL; Hereditary breast cancer; hereditary breast carcinoma. Identifiers: Orphanet 227535, MedGen C0346153, MONDO:0016419, OMIM 114480. Disease mechanism: loss of function.

Allele frequency attached by ClinVar (database versions not stated): gnomAD exomes below 0.00001; TOPMed below 0.00001.
gnomAD v4.1: 1 of 1,614,196 alleles (0.000062%); highest among the groups gnomAD compares: Admixed American, 0.0017%; no homozygotes.

Submissions (2):

Ambry Genetics
Classification: Uncertain significance for Hereditary cancer-predisposing syndrome. Last evaluated: 2025-11-20. Review status: criteria provided, single submitter. Criteria: Ambry Variant Classification Scheme 2023. Collection method: clinical testing. Allele origin: germline.
Comment: The p.E667D variant (also known as c.2001A>T), located in coding exon 5 of the PALB2 gene, results from an A to T substitution at nucleotide position 2001. The glutamic acid at codon 667 is replaced by aspartic acid, an amino acid with highly similar properties. This amino acid position is well conserved in available vertebrate species. In addition, this alteration is predicted to be tolerated by in silico analysis. Since supporting evidence is limited at this time, the clinical significance of this alteration remains unclear.

Labcorp Genetics (formerly Invitae), Labcorp
Classification: Uncertain significance for Familial cancer of breast. Last evaluated: 2023-09-22. Review status: criteria provided, single submitter. Criteria: Invitae Variant Classification Sherloc (09022015). Collection method: clinical testing. Allele origin: germline.
Comment: This sequence change replaces glutamic acid, which is acidic and polar, with aspartic acid, which is acidic and polar, at codon 667 of the PALB2 protein (p.Glu667Asp). This variant is present in population databases (no rsID available, gnomAD 0.003%). This variant has not been reported in the literature in individuals affected with PALB2-related conditions. ClinVar contains an entry for this variant (Variation ID: 460923). Advanced modeling of protein sequence and biophysical properties (such as structural, functional, and spatial information, amino acid conservation, physicochemical variation, residue mobility, and thermodynamic stability) performed at Invitae indicates that this missense variant is not expected to disrupt PALB2 protein function. In summary, the available evidence is currently insufficient to determine the role of this variant in disease. Therefore, it has been classified as a Variant of Uncertain Significance.

NM_024675.4(PALB2):c.2001A>T (p.Glu667Asp)

Gene: PALB2 (partner and localizer of BRCA2; minus strand). Cytogenetic location: 16p12.2.
Variant type: single nucleotide variant.
Coding change: c.2001A>T on transcript NM_024675.4 (MANE Select); coding-DNA position 2001, A replaced by T.
Protein change: p.Glu667Asp; replaces glutamic acid 667 with aspartic acid.
Molecular consequence: missense variant.
Genome position (GRCh38, 1-based): chr16:23,630,153, T>A on the plus strand (A>T on the coding strand, the complement: PALB2 is on the minus strand). VCF-style: chr16-23630153-T-A. GRCh37 (hg19) VCF-style: chr16-23641474-T-A.
Other names: short protein forms E667D.
Identifiers: ClinVar variation 460923 (VCV000460923.11), dbSNP rs1421924676, ClinGen allele CA395127165.